The following is an entry in ClinVar:

NM_001130698.2(TRPC3):c.1732G>A (p.Val578Ile)

Gene: TRPC3 (transient receptor potential cation channel subfamily C member 3; minus strand). Cytogenetic location: 4q27.
Variant type: single nucleotide variant.
Coding change: c.1732G>A on transcript NM_001130698.2 (MANE Select); coding-DNA position 1732, G replaced by A.
Protein change: p.Val578Ile; replaces valine 578 with isoleucine.
Molecular consequence: missense variant.
Genome position (GRCh38, 1-based): chr4:121,910,214, C>T on the plus strand (G>A on the coding strand, the complement: TRPC3 is on the minus strand). VCF-style: chr4-121910214-C-T. GRCh37 (hg19) VCF-style: chr4-122831369-C-T.
Other names: c.1732G>A, p.Val578Ile (NM_001366479.2); c.1513G>A, p.Val505Ile (NM_003305.2); short protein forms V505I, V578I.
Identifiers: ClinVar variation 2957055 (VCV002957055.3), dbSNP rs199633821, ClinGen allele CA3064883.
Genomic context (GRCh38, chr4:121,910,214, plus strand): 5'-CATAAGTGAAATACTGTATCTCTGGTGGGAGTGTCACTTCACTGAGGTCACTCTCTTGGA[C>T]GTAACTGTCCACATACTGTTGTGCCTTCGTTGCCTGAAGGAAAGCTAGGAATCTGGCTGT-3'
Protein context (NP_001124170.1, residues 568-588): TKAQQYVDSY[Val578Ile]QESDLSEVTL

ClinVar aggregate classification (germline): Uncertain significance (1 of 4 stars; one submission).

gnomAD v4.1: 49 of 1,613,732 alleles (0.003%); highest among the groups gnomAD compares: East Asian, 0.0089%; no homozygotes.

Submission:

Labcorp Genetics (formerly Invitae), Labcorp
Classification: Uncertain significance. Last evaluated: 2024-01-22. Review status: criteria provided, single submitter. Criteria: Invitae Variant Classification Sherloc (09022015). Collection method: clinical testing. Allele origin: germline.
Comment: This sequence change replaces valine, which is neutral and non-polar, with isoleucine, which is neutral and non-polar, at codon 578 of the TRPC3 protein (p.Val578Ile). The frequency data for this variant in the population databases is considered unreliable, as metrics indicate poor data quality at this position in the gnomAD database. This variant has not been reported in the literature in individuals affected with TRPC3-related conditions. Algorithms developed to predict the effect of missense changes on protein structure and function output the following: SIFT: "Not Available"; PolyPhen-2: "Benign"; Align-GVGD: "Not Available". The isoleucine amino acid residue is found in multiple mammalian species, which suggests that this missense change does not adversely affect protein function. In summary, the available evidence is currently insufficient to determine the role of this variant in disease. Therefore, it has been classified as a Variant of Uncertain Significance.